The following is an entry in ClinVar:

NM_014908.4(DOLK):c.976G>T (p.Glu326Ter)

Gene: DOLK (dolichol kinase; minus strand). Cytogenetic location: 9q34.11.
Variant type: single nucleotide variant.
Coding change: c.976G>T on transcript NM_014908.4 (MANE Select); coding-DNA position 976, G replaced by T.
Protein change: p.Glu326Ter; replaces glutamic acid 326 with a stop codon.
Molecular consequence: nonsense.
Genome position (GRCh38, 1-based): chr9:128,946,328, C>A on the plus strand (G>T on the coding strand, the complement: DOLK is on the minus strand). VCF-style: chr9-128946328-C-A. GRCh37 (hg19) VCF-style: chr9-131708607-C-A.
Other names: short protein forms E326*.
Identifiers: ClinVar variation 3383477 (VCV003383477.1).

ClinVar aggregate classification (germline): Uncertain significance (1 of 4 stars; one submission).

Submission:

GeneDx
Classification: Uncertain significance. Last evaluated: 2024-05-28. Review status: criteria provided, single submitter. Criteria: GeneDx Variant Classification Process June 2021. Collection method: clinical testing. Allele origin: germline. Affected: yes.
Comment: Has not been previously published as pathogenic or benign to our knowledge; Not observed in large population cohorts (gnomAD); Nonsense variant predicted to result in protein truncation as the last 213 amino acids are lost, although loss-of-function variants have not been reported downstream of this position in the protein